The following is an entry in ClinVar:

NM_005215.4(DCC):c.1841C>T (p.Thr614Ile)

Gene: DCC (DCC netrin 1 receptor; plus strand). Cytogenetic location: 18q21.2.
Variant type: single nucleotide variant.
Coding change: c.1841C>T on transcript NM_005215.4 (MANE Select); coding-DNA position 1841, C replaced by T.
Protein change: p.Thr614Ile; replaces threonine 614 with isoleucine.
Molecular consequence: missense variant.
Genome position (GRCh38, 1-based): chr18:53,207,797, C>T. VCF-style: chr18-53207797-C-T. GRCh37 (hg19) VCF-style: chr18-50734167-C-T.
Other names: short protein forms T614I.
Identifiers: ClinVar variation 3354395 (VCV003354395.1).

ClinVar aggregate classification (germline): Uncertain significance (0 of 4 stars; one submission).

Conditions:
DCC-related disorder. Also called: DCC-related condition.

Submission:

PreventionGenetics, part of Exact Sciences
Classification: Uncertain significance for DCC-related condition. Last evaluated: 2024-03-04. Review status: no assertion criteria provided. Collection method: clinical testing. Allele origin: germline.
Comment: The DCC c.1841C>T variant is predicted to result in the amino acid substitution p.Thr614Ile. To our knowledge, this variant has not been reported in the literature or in a large population database, indicating this variant is rare. At this time, the clinical significance of this variant is uncertain due to the absence of conclusive functional and genetic evidence.